The following is an entry in ClinVar:

NM_016180.5(SLC45A2):c.1463T>C (p.Ile488Thr)

Gene: SLC45A2 (solute carrier family 45 member 2; minus strand). Cytogenetic location: 5p13.2.
Variant type: single nucleotide variant.
Coding change: c.1463T>C on transcript NM_016180.5 (MANE Select); coding-DNA position 1463, T replaced by C.
Protein change: p.Ile488Thr; replaces isoleucine 488 with threonine.
Molecular consequence: missense variant.
Genome position (GRCh38, 1-based): chr5:33,944,778, A>G on the plus strand (T>C on the coding strand, the complement: SLC45A2 is on the minus strand). VCF-style: chr5-33944778-A-G. GRCh37 (hg19) VCF-style: chr5-33944883-A-G.
Other names: c.1463T>C (NM_016180.3); short protein forms I488T.
Identifiers: ClinVar variation 1955232 (VCV001955232.5), dbSNP rs770124563, ClinGen allele CA3225452.
Genomic context (GRCh38, chr5:33,944,778, plus strand): 5'-ACCACGACGACAACGGTCCCGGCTGTGTTGACCAGAAAGCCCAGGCCACCTCCGACCAGG[A>G]TCTGAGCCAGCTGCACCATGCATGTGAGGGTGGCGCAGTCCATGCCCTTCCCTCTCACGC-3'
Protein context (NP_057264.4, residues 478-498): TLTCMVQLAQ[Ile488Thr]LVGGGLGFLV

ClinVar aggregate classification (germline): Uncertain significance. Review status: criteria provided, multiple submitters, no conflicts (2 of 4 stars). 2 submissions from 2 submitters: Uncertain significance (2). Last evaluated 2025-08-26.

Conditions:
Inborn genetic diseases. Identifiers: MedGen C0950123, MeSH D030342.

Allele frequency attached by ClinVar (database versions not stated): TOPMed below 0.00001; ExAC 0.00001; gnomAD 0.00001; gnomAD exomes 0.00003.
gnomAD v4.1: 40 of 1,614,052 alleles (0.0025%); highest among the groups gnomAD compares: Non-Finnish European, 0.0025%; no homozygotes.

Submissions (2):

Ambry Genetics
Classification: Uncertain significance for Inborn genetic diseases. Last evaluated: 2025-08-26. Review status: criteria provided, single submitter. Criteria: Ambry Variant Classification Scheme 2023. Collection method: clinical testing. Allele origin: germline.

Labcorp Genetics (formerly Invitae), Labcorp
Classification: Uncertain significance. Last evaluated: 2024-02-05. Review status: criteria provided, single submitter. Criteria: Invitae Variant Classification Sherloc (09022015). Collection method: clinical testing. Allele origin: germline.
Comment: This sequence change replaces isoleucine, which is neutral and non-polar, with threonine, which is neutral and polar, at codon 488 of the SLC45A2 protein (p.Ile488Thr). This variant is present in population databases (rs770124563, gnomAD 0.01%). This variant has not been reported in the literature in individuals affected with SLC45A2-related conditions. ClinVar contains an entry for this variant (Variation ID: 1955232). Advanced modeling of protein sequence and biophysical properties (such as structural, functional, and spatial information, amino acid conservation, physicochemical variation, residue mobility, and thermodynamic stability) performed at Invitae indicates that this missense variant is not expected to disrupt SLC45A2 protein function with a negative predictive value of 80%. In summary, the available evidence is currently insufficient to determine the role of this variant in disease. Therefore, it has been classified as a Variant of Uncertain Significance.